The following is an entry in ClinVar:

ClinVar aggregate classification (germline): Likely benign. Review status: criteria provided, single submitter (1 of 4 stars). 2 submissions from 2 submitters: Likely benign (1). 1 of the submissions does not count toward it. Last evaluated 2024-04-11.

Conditions:
DEAF1-related disorder.

Allele frequency attached by ClinVar (database versions not stated): gnomAD 0.00001 and 0.00002; ExAC 0.00003.
gnomAD v4.1: 51 of 1,612,228 alleles (0.0032%); highest among the groups gnomAD compares: East Asian, 0.0067%; no homozygotes.

Submissions (2):

Labcorp Genetics (formerly Invitae), Labcorp
Classification: Likely benign. Last evaluated: 2024-04-11. Review status: criteria provided, single submitter. Criteria: Invitae Variant Classification Sherloc (09022015). Collection method: clinical testing. Allele origin: germline.

PreventionGenetics, part of Exact Sciences
Classification: Likely benign for DEAF1-related condition. Last evaluated: 2019-06-17. Review status: no assertion criteria provided. Collection method: clinical testing. Allele origin: germline. Not counted in ClinVar's aggregate classification.
Comment: This variant is classified as likely benign based on ACMG/AMP sequence variant interpretation guidelines (Richards et al. 2015 PMID: 25741868, with internal and published modifications).

NM_021008.4(DEAF1):c.1692C>T (p.Thr564=)

Gene: DEAF1 (DEAF1 transcription factor; minus strand). Cytogenetic location: 11p15.5.
Variant type: single nucleotide variant.
Coding change: c.1692C>T on transcript NM_021008.4 (MANE Select); coding-DNA position 1692, C replaced by T.
Protein change: p.Thr564=; no amino-acid change (threonine 564 retained).
Molecular consequence: synonymous variant.
Genome position (GRCh38, 1-based): chr11:644,556, G>A on the plus strand (C>T on the coding strand, the complement: DEAF1 is on the minus strand). VCF-style: chr11-644556-G-A. GRCh37 (hg19) VCF-style: chr11-644556-G-A.
Other names: c.1467C>T, p.Thr489= (NM_001293634.2); c.966C>T, p.Thr322= (NM_001367390.1).
Identifiers: ClinVar variation 1548481 (VCV001548481.10), dbSNP rs774798427, ClinGen allele CA5786084.